The following is an entry in ClinVar:

NM_001042492.3(NF1):c.5610-2A>G

Gene: NF1 (neurofibromin 1; plus strand). Cytogenetic location: 17q11.2.
Variant type: single nucleotide variant.
Coding change: c.5610-2A>G on transcript NM_001042492.3 (MANE Select); the canonical splice acceptor site of the intron before coding-DNA position 5610, A replaced by G.
Molecular consequence: splice acceptor variant.
Genome position (GRCh38, 1-based): chr17:31,330,294, A>G. VCF-style: chr17-31330294-A-G. GRCh37 (hg19) VCF-style: chr17-29657312-A-G.
Other names: c.5547-2A>G (NM_000267.4).
Identifiers: ClinVar variation 457756 (VCV000457756.12), dbSNP rs1135402876, ClinGen allele CA399010085.

ClinVar aggregate classification (germline): Pathogenic. Review status: criteria provided, multiple submitters, no conflicts (2 of 4 stars). 5 submissions from 5 submitters: Pathogenic (5). Last evaluated 2025-05-29.

Conditions:
Cardiovascular phenotype. Identifiers: MedGen CN230736.
Hereditary cancer-predisposing syndrome. Also called: Hereditary Cancer Syndrome; Hereditary neoplastic syndrome; Tumor predisposition; Neoplastic Syndromes, Hereditary. Identifiers: Orphanet 140162, MedGen C0027672, MeSH D009386, MONDO:0015356.
Neurofibromatosis, type 1 (NF1). Also called: VON RECKLINGHAUSEN DISEASE; NEUROFIBROMATOSIS, TYPE I, SOMATIC; Peripheral type neurofibromatosis; Neurofibromatosis, type I. Identifiers: Orphanet 636, MedGen C0027831, MONDO:0018975, OMIM 162200. Disease mechanism: loss of function.

Submissions (5):

GeneDx
Classification: Pathogenic. Last evaluated: 2025-05-29. Review status: criteria provided, single submitter. Criteria: GeneDx Variant Classification Process June 2021. Collection method: clinical testing. Allele origin: germline. Affected: yes.
Comment: Canonical splice site variant predicted to result in a null allele in a gene for which loss of function is a known mechanism of disease; Not observed at significant frequency in large population cohorts (gnomAD); This variant is associated with the following publications: (PMID: 25074460, 32702947, 34006472)

Labcorp Genetics (formerly Invitae), Labcorp
Classification: Pathogenic for Neurofibromatosis, type 1. Last evaluated: 2022-12-24. Review status: criteria provided, single submitter. Criteria: Invitae Variant Classification Sherloc (09022015). Collection method: clinical testing. Allele origin: germline.
Comment: Disruption of this splice site has been observed in individual(s) with neurofibromatosis (PMID: 25074460, 26969325). This variant is not present in population databases (gnomAD no frequency). This sequence change affects an acceptor splice site in intron 37 of the NF1 gene. It is expected to disrupt RNA splicing. Variants that disrupt the donor or acceptor splice site typically lead to a loss of protein function (PMID: 16199547), and loss-of-function variants in NF1 are known to be pathogenic (PMID: 10712197, 23913538). For these reasons, this variant has been classified as Pathogenic. Algorithms developed to predict the effect of sequence changes on RNA splicing suggest that this variant may disrupt the consensus splice site. ClinVar contains an entry for this variant (Variation ID: 457756).

Ambry Genetics
Classification: Pathogenic for Cardiovascular phenotype; Hereditary cancer-predisposing syndrome. Last evaluated: 2022-02-25. Review status: criteria provided, single submitter. Criteria: Ambry Variant Classification Scheme 2023. Collection method: clinical testing. Allele origin: germline.
Comment: The c.5547-2A>G intronic pathogenic mutation results from an A to G substitution two nucleotides upstream from coding exon 38 in the NF1 gene. This mutation has been reported in multiple individuals with a clinical diagnosis of neurofibromatosis type 1 (NF1) (Pasmant E et al. Eur J Hum Genet, 2015 May;23:596-601; Ambry internal data). Another alteration impacting the same acceptor site (c.5547-1G>C) has been detected in individuals with NF1 (Ambry internal data). c.5547-2A>G is considered to be rare based on population cohorts in the Genome Aggregation Database (gnomAD). In silico splice site analysis predicts that this alteration will weaken the native splice acceptor site. RNA studies have demonstrated that this alteration results in abnormal splicing in the set of samples tested (Ambry internal data). Based on the supporting evidence, this alteration is interpreted as a disease-causing mutation.

MGZ Medical Genetics Center
Classification: Pathogenic for Neurofibromatosis, type 1. Last evaluated: 2021-12-13. Review status: criteria provided, single submitter. Criteria: ACMG Guidelines, 2015. Collection method: clinical testing. Allele origin: germline. Affected: yes. Observed: 1 variant allele.
Comment: ACMG criteria applied: PVS1, PM2_SUP, PP3

Neuberg Centre For Genomic Medicine, NCGM
Classification: Pathogenic for Neurofibromatosis, type 1. Review status: criteria provided, single submitter. Criteria: ACMG Guidelines, 2015. Collection method: clinical testing. Allele origin: germline. Inheritance: Autosomal dominant inheritance. Affected: yes.
Comment: The splice acceptor variant c.5547-2A>G in NF1 (NM_000267.3) has been reported previously in an affected patient (Pasmant E et al).It has been submitted to the Leiden Open Database as a de novo variant. It has been submitted to ClinVar as Likely Pathogenic. The c.5547-2A>G variant is novel (not in any individuals) in gnomAD Exomes and is novel (not in any individuals) in 1000 Genomes. This variant affects an invariant splice nucleotide and hence is expected to cause protein truncation.Splice prediction tools predict a damaging effect. Loss of function variants have been decsribed previously as disease causing. For these reasons, this variant has been classified as Pathogenic.

Literature cited by the submitters: PubMed 25074460 (cited by Labcorp Genetics (formerly Invitae), Labcorp); PubMed 26969325 (cited by Labcorp Genetics (formerly Invitae), Labcorp); PubMed 16199547 (cited by Labcorp Genetics (formerly Invitae), Labcorp); PubMed 10712197 (cited by Labcorp Genetics (formerly Invitae), Labcorp); PubMed 23913538 (cited by Labcorp Genetics (formerly Invitae), Labcorp).